The following is an entry in ClinVar:

NM_000404.4(GLB1):c.1336dup (p.Ala446fs)

Gene: GLB1 (galactosidase beta 1; minus strand). Cytogenetic location: 3p22.3.
Variant type: Duplication.
Coding change: c.1336dup on transcript NM_000404.4 (MANE Select); coding-DNA position 1336, one base duplicated (G; older notation c.1336dupG).
Protein change: p.Ala446fs; shifts the reading frame from alanine 446.
Molecular consequence: frameshift variant.
Genome position (GRCh38, 1-based): chr3:33,018,459, C duplicated on the plus strand (G on the coding strand, the reverse complement: GLB1 is on the minus strand). VCF-style (leftmost placement, unchanged base first): chr3-33018458-G-GC. GRCh37 (hg19) VCF-style: chr3-33059950-G-GC.
Other names: c.1246dup, p.Ala416fs (NM_001079811.3); c.943dup, p.Ala315fs (NM_001135602.3); c.1480dup, p.Ala494fs (NM_001317040.2); c.1336dup, p.Ala446fs (NM_001393580.1); c.1336dup (NM_000404.3); short protein forms A315fs, A446fs, A416fs, A494fs.
Identifiers: ClinVar variation 1405477 (VCV001405477.7), dbSNP rs2125469871, ClinGen allele CA2573136211.

ClinVar aggregate classification (germline): Pathogenic/Likely pathogenic. Review status: criteria provided, multiple submitters, no conflicts (2 of 4 stars). 2 submissions from 2 submitters: Pathogenic (1); Likely pathogenic (1). Last evaluated 2025-12-10.

Conditions:
Mucopolysaccharidosis, MPS-IV-B (MPS4B). Also called: MORQUIO SYNDROME B; Mucopolysaccharidosis Type IVB (Morquio B Disease); Mucopolysaccharidosis type 4B; Mucopolysaccharidosis type IVB (Morquio); MPS IVB; Mucopolysaccharidosis type IV B. Identifiers: Orphanet 309310, Orphanet 582, MedGen C0086652, MONDO:0009660, OMIM 253010.
GM1 gangliosidosis. Identifiers: Orphanet 354, MedGen C0085131, MONDO:0018149.

Submissions (2):

Natera, Inc.
Classification: Likely pathogenic for Mucopolysaccharidosis, MPS-IV-B. Last evaluated: 2025-12-10. Review status: criteria provided, single submitter. Criteria: Natera Variant Classification Schema (03/2026). Collection method: clinical testing. Allele origin: germline.
Comment: The c.1336dup variant in GLB1 is a frameshift variant predicted to shift the reading frame beginning at codon 446 and leads to a stop codon 11 codons downstream. This variant is expected to result in nonsense mediated decay, truncation, or a dysfunctional protein product. This variant is rare in the general population with a frequency below the threshold expected for the associated phenotype(s). Given the available evidence, this variant is classified as Likely Pathogenic.

Labcorp Genetics (formerly Invitae), Labcorp
Classification: Pathogenic for Mucopolysaccharidosis, MPS-IV-B; GM1 gangliosidosis. Last evaluated: 2021-10-13. Review status: criteria provided, single submitter. Criteria: Invitae Variant Classification Sherloc (09022015). Collection method: clinical testing. Allele origin: germline.
Comment: This sequence change creates a premature translational stop signal (p.Ala446Glyfs*11) in the GLB1 gene. It is expected to result in an absent or disrupted protein product. Loss-of-function variants in GLB1 are known to be pathogenic (PMID: 18524657). For these reasons, this variant has been classified as Pathogenic. This variant has not been reported in the literature in individuals affected with GLB1-related conditions. This variant is not present in population databases (ExAC no frequency).

Literature cited by the submitters: PubMed 18524657 (cited by Labcorp Genetics (formerly Invitae), Labcorp).